The following is an entry in ClinVar:

NM_000487.6(ARSA):c.884G>A (p.Gly295Asp)

Gene: ARSA (arylsulfatase A; minus strand). Cytogenetic location: 22q13.33.
Variant type: single nucleotide variant.
Coding change: c.884G>A on transcript NM_000487.6 (MANE Select); coding-DNA position 884, G replaced by A.
Protein change: p.Gly295Asp; replaces glycine 295 with aspartic acid.
Molecular consequence: missense variant.
Genome position (GRCh38, 1-based): chr22:50,626,249, C>T on the plus strand (G>A on the coding strand, the complement: ARSA is on the minus strand). VCF-style: chr22-50626249-C-T. GRCh37 (hg19) VCF-style: chr22-51064677-C-T.
Other names: c.884G>A, p.Gly295Asp (NM_001085425.3, NM_001085426.3, NM_001085427.3); c.626G>A, p.Gly209Asp (NM_001085428.3, NM_001362782.2); short protein forms G295D, G209D.
Identifiers: ClinVar variation 68155 (VCV000068155.8), dbSNP rs199476387, ClinGen allele CA219066.

ClinVar aggregate classification (germline): Conflicting classifications of pathogenicity. Review status: criteria provided, conflicting classifications (1 of 4 stars). 3 submissions from 3 submitters: Pathogenic (1); Uncertain significance (1). 1 of the submissions does not count toward it. Last evaluated 2025-09-02.

Conditions:
Metachromatic leukodystrophy (MLD). Also called: ARSA DEFICIENCY; CEREBROSIDE SULFATASE DEFICIENCY; METACHROMATIC LEUKOENCEPHALOPATHY; Cerebral sclerosis diffuse metachromatic form; Arylsulfatase A Deficiency; SULFATIDE LIPIDOSIS. Identifiers: Orphanet 512, MedGen C0023522, MONDO:0018868, OMIM 250100.

Submissions (3):

Labcorp Genetics (formerly Invitae), Labcorp
Classification: Pathogenic for Metachromatic leukodystrophy. Last evaluated: 2025-09-02. Review status: criteria provided, single submitter. Criteria: Invitae Variant Classification Sherloc (09022015). Collection method: clinical testing. Allele origin: germline.
Comment: This sequence change replaces glycine, which is neutral and non-polar, with aspartic acid, which is acidic and polar, at codon 295 of the ARSA protein (p.Gly295Asp). This variant is not present in population databases (gnomAD no frequency). This missense change has been observed in individual(s) with metachromatic leukodystrophy (PMID: 15026521). In at least one individual the data is consistent with being in trans (on the opposite chromosome) from a pathogenic variant. This variant is also known as G293D. ClinVar contains an entry for this variant (Variation ID: 68155). Invitae Evidence Modeling of protein sequence and biophysical properties (such as structural, functional, and spatial information, amino acid conservation, physicochemical variation, residue mobility, and thermodynamic stability) indicates that this missense variant is expected to disrupt ARSA protein function with a positive predictive value of 95%. This variant disrupts the p.Gly295 amino acid residue in ARSA. Other variant(s) that disrupt this residue have been determined to be pathogenic (PMID: 15326627, 18786133). This suggests that this residue is clinically significant, and that variants that disrupt this residue are likely to be disease-causing. For these reasons, this variant has been classified as Pathogenic.

Illumina Laboratory Services, Illumina
Classification: Uncertain significance for Metachromatic leukodystrophy. Last evaluated: 2017-04-27. Review status: criteria provided, single submitter. Criteria: ICSL Variant Classification Criteria 13 December 2019. Collection method: clinical testing. Allele origin: germline.
Comment: This variant was observed as part of a predisposition screen in an ostensibly healthy population. A literature search was performed for the gene, cDNA change, and amino acid change (where applicable). Publications were found based on this search. However, the evidence from the literature, in combination with allele frequency data from public databases where available, was not sufficient to rule this variant in or out of causing disease. Therefore, this variant is classified as a variant of unknown significance.

UniProtKB/Swiss-Prot
No classification provided. Review status: no classification provided. Collection method: not provided. Allele origin: not provided. Not counted in ClinVar's aggregate classification.

Literature cited by the submitters: PubMed 15026521 (cited by Labcorp Genetics (formerly Invitae), Labcorp and Illumina Laboratory Services, Illumina); PubMed 15326627 (cited by Labcorp Genetics (formerly Invitae), Labcorp); PubMed 18786133 (cited by Labcorp Genetics (formerly Invitae), Labcorp).